The following is an entry in ClinVar:

NM_213720.3(CHCHD10):c.53C>T (p.Ala18Val)

Gene: CHCHD10 (coiled-coil-helix-coiled-coil-helix domain containing 10; minus strand). Cytogenetic location: 22q11.23.
Variant type: single nucleotide variant.
Coding change: c.53C>T on transcript NM_213720.3 (MANE Select); coding-DNA position 53, C replaced by T.
Protein change: p.Ala18Val; replaces alanine 18 with valine.
Molecular consequence: missense variant.
Genome position (GRCh38, 1-based): chr22:23,767,582, G>A on the plus strand (C>T on the coding strand, the complement: CHCHD10 is on the minus strand). VCF-style: chr22-23767582-G-A. GRCh37 (hg19) VCF-style: chr22-24109769-G-A.
Other names: c.53C>T, p.Ala18Val (NM_001301339.2); short protein forms A18V.
Identifiers: ClinVar variation 1505500 (VCV001505500.8), dbSNP rs1244878740, ClinGen allele CA410917024.

ClinVar aggregate classification (germline): Uncertain significance (1 of 4 stars; one submission).

Conditions:
Lower motor neuron syndrome with late-adult onset (SMAJ). Also called: Spinal muscular atrophy, Jokela type; Late-Onset Spinal Motor Neuronopathy (SMAJ). Identifiers: Orphanet 276435, MedGen C3554398, MONDO:0014025, OMIM 615048.
Frontotemporal dementia and/or amyotrophic lateral sclerosis 2. Also called: FTDALS2. Identifiers: Orphanet 275872, MedGen C4014648, MONDO:0014395, OMIM 615911.
Autosomal dominant mitochondrial myopathy with exercise intolerance (IMMD). Also called: Myopathy, isolated mitochondrial, autosomal dominant. Identifiers: Orphanet 457050, MedGen C4015513, MONDO:0014532, OMIM 616209.

Allele frequency attached by ClinVar (database versions not stated): TOPMed below 0.00001; gnomAD 0.00001.
gnomAD v4.1: 5 of 1,255,314 alleles (0.0004%); highest among the groups gnomAD compares: South Asian, 0.0018%; no homozygotes.

Submission:

Labcorp Genetics (formerly Invitae), Labcorp
Classification: Uncertain significance for Lower motor neuron syndrome with late-adult onset; Frontotemporal dementia and/or amyotrophic lateral sclerosis 2; Autosomal dominant mitochondrial myopathy with exercise intolerance. Last evaluated: 2022-12-07. Review status: criteria provided, single submitter. Criteria: Invitae Variant Classification Sherloc (09022015). Collection method: clinical testing. Allele origin: germline.
Comment: In summary, the available evidence is currently insufficient to determine the role of this variant in disease. Therefore, it has been classified as a Variant of Uncertain Significance. Algorithms developed to predict the effect of missense changes on protein structure and function are either unavailable or do not agree on the potential impact of this missense change (SIFT: "Tolerated"; PolyPhen-2: "Not Available"; Align-GVGD: "Class C0"). ClinVar contains an entry for this variant (Variation ID: 1505500). This variant has not been reported in the literature in individuals affected with CHCHD10-related conditions. This variant is not present in population databases (gnomAD no frequency). This sequence change replaces alanine, which is neutral and non-polar, with valine, which is neutral and non-polar, at codon 18 of the CHCHD10 protein (p.Ala18Val).